The following is an entry in ClinVar:

ClinVar aggregate classification (germline): Uncertain significance. Review status: criteria provided, multiple submitters, no conflicts (2 of 4 stars). 2 submissions from 2 submitters: Uncertain significance (2). Last evaluated 2024-03-26.

Conditions:
Autosomal dominant slowed nerve conduction velocity. Identifiers: Orphanet 140481, MedGen C1842357, MONDO:0011998, OMIM 608236.

Allele frequency attached by ClinVar (database versions not stated): ExAC 0.00002; ESP Exome Variant Server 0.00008; TOPMed 0.00008; gnomAD 0.00011.
gnomAD v4.1: 27 of 1,612,202 alleles (0.0017%); highest among the groups gnomAD compares: African/African-American, 0.035%; no homozygotes.

Submissions (2):

Revvity Omics, Revvity
Classification: Uncertain significance for Autosomal dominant slowed nerve conduction velocity. Last evaluated: 2024-03-26. Review status: criteria provided, single submitter. Criteria: ACMG Guidelines, 2015. Collection method: clinical testing. Allele origin: germline.

Labcorp Genetics (formerly Invitae), Labcorp
Classification: Uncertain significance. Last evaluated: 2023-06-27. Review status: criteria provided, single submitter. Criteria: Invitae Variant Classification Sherloc (09022015). Collection method: clinical testing. Allele origin: germline.
Comment: In summary, the available evidence is currently insufficient to determine the role of this variant in disease. Therefore, it has been classified as a Variant of Uncertain Significance. Advanced modeling of protein sequence and biophysical properties (such as structural, functional, and spatial information, amino acid conservation, physicochemical variation, residue mobility, and thermodynamic stability) performed at Invitae indicates that this missense variant is not expected to disrupt ARHGEF10 protein function. This variant has not been reported in the literature in individuals affected with ARHGEF10-related conditions. This variant is present in population databases (rs372914107, gnomAD 0.04%). This sequence change replaces glutamine, which is neutral and polar, with glutamic acid, which is acidic and polar, at codon 1327 of the ARHGEF10 protein (p.Gln1327Glu).

NM_014629.4(ARHGEF10):c.3979C>G (p.Gln1327Glu)

Gene: ARHGEF10 (Rho guanine nucleotide exchange factor 10; plus strand). Cytogenetic location: 8p23.3.
Variant type: single nucleotide variant.
Coding change: c.3979C>G on transcript NM_014629.4 (MANE Select); coding-DNA position 3979, C replaced by G.
Protein change: p.Gln1327Glu; replaces glutamine 1327 with glutamic acid.
Molecular consequence: missense variant.
Genome position (GRCh38, 1-based): chr8:1,957,207, C>G. VCF-style: chr8-1957207-C-G. GRCh37 (hg19) VCF-style: chr8-1905373-C-G.
Other names: c.3865C>G, p.Gln1289Glu (NM_001308152.2); c.3979C>G, p.Gln1327Glu (NM_001308153.3); short protein forms Q1351E, Q1289E, Q1327E.
Identifiers: ClinVar variation 2958669 (VCV002958669.4), dbSNP rs372914107, ClinGen allele CA4601548.